The following is an entry in ClinVar:

NM_001371279.1(REEP1):c.183_184insCT (p.Phe62fs)

Gene: REEP1 (receptor accessory protein 1; minus strand). Cytogenetic location: 2p11.2.
Variant type: Insertion.
Coding change: c.183_184insCT on transcript NM_001371279.1 (MANE Select); coding-DNA positions 183 to 184, CT inserted.
Protein change: p.Phe62fs; shifts the reading frame from phenylalanine 62.
Molecular consequence: frameshift variant. On other transcripts: intron variant (1).
Genome position: GRCh38 VCF-style: chr2-86254813-A-AAG. GRCh37 (hg19) VCF-style: chr2-86481936-A-AAG.
Other names: c.204_205insCT, p.Phe69fs (NM_001164730.2); c.102_103insCT, p.Phe35fs (NM_001164731.2); c.183_184insCT, p.Phe62fs (NM_001371280.1, NM_001410855.1, NM_001410856.1 and 1 more transcripts); c.182+9151_182+9152insCT (NM_001164732.2); short protein forms F69fs, F35fs, F62fs.
Identifiers: ClinVar variation 4526344 (VCV004526344.1).

ClinVar aggregate classification (germline): Pathogenic (1 of 4 stars; one submission).

Conditions:
Hereditary spastic paraplegia 31. Also called: SPASTIC PARAPLEGIA 31, AUTOSOMAL DOMINANT. Identifiers: Orphanet 101011, MedGen C1853247, MONDO:0012453, OMIM 610250.

Submission:

Centre of Medical Genetics, University Hospital Muenster
Classification: Pathogenic for Hereditary spastic paraplegia 31. Last evaluated: 2025-01-16. Review status: criteria provided, single submitter. Criteria: ACMG Guidelines, 2015. Collection method: clinical testing. Allele origin: unknown. Affected: yes. Observed: 1 variant allele, 1 heterozygote.
Comment: ACMG categories: PVS1,PM2